The following is an entry in ClinVar:

NM_001873.4(CPE):c.744T>C (p.His248=)

Gene: CPE (carboxypeptidase E; plus strand). Cytogenetic location: 4q32.3.
Variant type: single nucleotide variant.
Coding change: c.744T>C on transcript NM_001873.4 (MANE Select); coding-DNA position 744, T replaced by C.
Protein change: p.His248=; no amino-acid change (histidine 248 retained).
Molecular consequence: synonymous variant.
Genome position (GRCh38, 1-based): chr4:165,482,313, T>C. VCF-style: chr4-165482313-T-C. GRCh37 (hg19) VCF-style: chr4-166403465-T-C.
Identifiers: ClinVar variation 3054110 (VCV003054110.18), dbSNP rs762207857, ClinGen allele CA3130265.

ClinVar aggregate classification (germline): Likely benign. Review status: criteria provided, multiple submitters, no conflicts (2 of 4 stars). 3 submissions from 3 submitters: Likely benign (2). 1 of the submissions does not count toward it. Last evaluated 2024-11-08.

Conditions:
CPE-related disorder. Also called: CPE-related condition.

Allele frequency attached by ClinVar (database versions not stated): gnomAD 0.00003; TOPMed 0.00004; gnomAD exomes 0.00007; ExAC 0.00025.
gnomAD v4.1: 115 of 1,613,918 alleles (0.0071%); highest among the groups gnomAD compares: Non-Finnish European, 0.006%; no homozygotes.

Submissions (3):

Blueprint Genetics
Classification: Likely benign. Last evaluated: 2024-11-08. Review status: criteria provided, single submitter. Criteria: ACMG Guidelines, 2015. Collection method: clinical testing. Allele origin: germline.

CeGaT Center for Human Genetics Tuebingen
Classification: Likely benign. Last evaluated: 2024-07-01. Review status: criteria provided, single submitter. Criteria: CeGaT Center For Human Genetics Tuebingen Variant Classification Criteria Version 2. Collection method: clinical testing. Allele origin: germline. Affected: yes. Observed: 1 variant allele.
Comment: CPE: BP4, BP7

PreventionGenetics, part of Exact Sciences
Classification: Likely benign for CPE-related condition. Last evaluated: 2022-11-21. Review status: no assertion criteria provided. Collection method: clinical testing. Allele origin: germline. Not counted in ClinVar's aggregate classification.
Comment: This variant is classified as likely benign based on ACMG/AMP sequence variant interpretation guidelines (Richards et al. 2015 PMID: 25741868, with internal and published modifications).